The following is an entry in ClinVar:

ClinVar aggregate classification (germline): Conflicting classifications of pathogenicity. Review status: criteria provided, conflicting classifications (1 of 4 stars). 5 submissions from 5 submitters: Likely pathogenic (1); Uncertain significance (4). Last evaluated 2025-02-16.

Conditions:
Polycystic kidney disease, adult type (PKD1). Also called: POLYCYSTIC KIDNEY DISEASE, ADULT, TYPE I; Polycystic Kidney Disease 1, Autosomal Dominant; Polycystic kidney disease 1; Polycystic kidney disease 1, severe; Polycystic Kidney, Autosomal Dominant; POLYCYSTIC KIDNEY DISEASE 1 WITH OR WITHOUT POLYCYSTIC LIVER DISEASE. Identifiers: MedGen C3149841, MONDO:0008263, OMIM 173900.

Submissions (5):

Laboratory of Genetics, Children's Clinical University Hospital Latvia
Classification: Likely pathogenic. Last evaluated: 2025-02-16. Review status: criteria provided, single submitter. Criteria: ACMG Guidelines, 2015. Collection method: clinical testing. Allele origin: germline. Affected: yes.

Blueprint Genetics
Classification: Uncertain significance. Last evaluated: 2024-07-02. Review status: criteria provided, single submitter. Criteria: ACMG Guidelines, 2015. Collection method: clinical testing. Allele origin: germline.

MVZ Medizinische Genetik Mainz
Classification: Uncertain significance for Polycystic kidney disease, adult type. Last evaluated: 2022-03-08. Review status: criteria provided, single submitter. Criteria: UK Practice Guidelines For Variant Classification V4 01 2020. Collection method: clinical testing. Allele origin: germline. Inheritance: Autosomal dominant inheritance. Affected: yes. Observed: 1 variant allele.
Comment: ACMG Criteria: PM2_SUP, PM4_SUP, PP3, PP4 (ACMG Version 3)

Department of Pathology and Laboratory Medicine, Sinai Health System
Classification: Uncertain significance for Polycystic kidney disease, adult type. Last evaluated: 2019-12-03. Review status: criteria provided, single submitter. Criteria: ACMG Guidelines, 2015. Collection method: clinical testing. Allele origin: germline. Affected: yes.

Neuberg Centre For Genomic Medicine, NCGM
Classification: Uncertain significance for Polycystic kidney disease, adult type. Review status: criteria provided, single submitter. Criteria: ACMG Guidelines, 2015. Collection method: clinical testing. Allele origin: germline. Inheritance: Autosomal dominant inheritance. Affected: yes.

NM_001009944.3(PKD1):c.5839GTG[1] (p.Val1948del)

Gene: PKD1 (polycystin 1, transient receptor potential channel interacting; minus strand). Cytogenetic location: 16p13.3.
Variant type: Microsatellite.
Coding change: c.5839GTG[1] on transcript NM_001009944.3 (MANE Select); one copy of the 3-base unit GTG starting at c.5839; the reference has two copies in a row; one copy, 3 bases deleted; also written c.5842_5844del.
Protein change: p.Val1948del; deletes valine 1948.
Molecular consequence: inframe deletion.
Genome position (GRCh38, 1-based): chr16:2,109,323-2,109,325, CAC deleted on the plus strand (GTG on the coding strand, the reverse complement: PKD1 is on the minus strand); deleting any 3 consecutive bases within chr16:2,109,323-2,109,328 gives the same sequence; the position shown is the placement nearest the transcript's 3' end. VCF-style (leftmost placement, unchanged base first): chr16-2109322-TCAC-T. GRCh37 (hg19) VCF-style: chr16-2159323-TCAC-T.
Other names: c.5842_5844del (NM_001009944.3); c.5839GTG[1], p.Val1948del (NM_000296.4); short protein forms V1948del.
Identifiers: ClinVar variation 3235182 (VCV003235182.5), dbSNP rs2544808543.
Genomic context (GRCh38, chr16:2,109,322, plus strand): 5'-CCAGCACCACGATGCGCACCTGCGCCTGGGCCCAGCTCACGTGGTTTTTGCCCCGCACGC[TCAC>T]CACGTGGTCTCCGACGCGGGGGAAGCTGTGGGAGAAACGGGGCCCGGGGAGCACCTCGGG-3'